The following is an entry in ClinVar:

ClinVar aggregate classification (germline): Uncertain significance (1 of 4 stars; one submission).

Submission:

Labcorp Genetics (formerly Invitae), Labcorp
Classification: Uncertain significance. Last evaluated: 2026-02-01. Review status: criteria provided, single submitter. Criteria: Invitae Variant Classification Sherloc (09022015). Collection method: clinical testing. Allele origin: germline.
Comment: This sequence change creates a premature translational stop signal (p.Phe94Tyrfs*3) in the DDX58 gene. It is expected to result in an absent or disrupted protein product. However, the current clinical and genetic evidence is not sufficient to establish whether loss-of-function variants in DDX58 cause disease. This variant is present in population databases (rs764891755, gnomAD 0.0009%). This variant has not been reported in the literature in individuals affected with DDX58-related conditions. ClinVar contains an entry for this variant (Variation ID: 1911662). In summary, the available evidence is currently insufficient to determine the role of this variant in disease. Therefore, it has been classified as a Variant of Uncertain Significance.

NM_014314.4(RIGI):c.281_314del (p.Phe94fs)

Gene: RIGI (RNA sensor RIG-I; minus strand). Cytogenetic location: 9p21.1.
Variant type: Deletion.
Coding change: c.281_314del on transcript NM_014314.4 (MANE Select); coding-DNA positions 281 to 314, 34 bases deleted.
Protein change: p.Phe94fs; shifts the reading frame from phenylalanine 94.
Molecular consequence: frameshift variant. On other transcripts: 5 prime UTR variant (3).
Genome position (GRCh38, 1-based): chr9:32,493,870-32,493,903, 34 bases deleted; deleting any 34 consecutive bases within chr9:32,493,870-32,493,907 gives the same sequence; the c. name uses the placement nearest the transcript's 3' end. GRCh37 (hg19): chr9:32,493,872-32,493,905.
Other names: c.281_314del, p.Phe94fs (NM_001385907.1, NM_001385909.1, NM_001385913.1); c.-174_-141del (NM_001385910.1, NM_001385914.1); c.-181_-148del (NM_001385912.1); short protein forms F94fs.
Identifiers: ClinVar variation 1911662 (VCV001911662.5), dbSNP rs764891755, ClinGen allele CA5020118.